The following is an entry in ClinVar:

ClinVar aggregate classification (germline): Uncertain significance (1 of 4 stars; one submission).

Conditions:
Rhabdoid tumor predisposition syndrome 2 (RTPS2). Identifiers: Orphanet 231108, Orphanet 69077, MedGen C2750074, MONDO:0013224, OMIM 613325.

Submission:

Labcorp Genetics (formerly Invitae), Labcorp
Classification: Uncertain significance for Rhabdoid tumor predisposition syndrome 2. Last evaluated: 2023-03-07. Review status: criteria provided, single submitter. Criteria: Invitae Variant Classification Sherloc (09022015). Collection method: clinical testing. Allele origin: germline.
Comment: In summary, the available evidence is currently insufficient to determine the role of this variant in disease. Therefore, it has been classified as a Variant of Uncertain Significance. Advanced modeling of protein sequence and biophysical properties (such as structural, functional, and spatial information, amino acid conservation, physicochemical variation, residue mobility, and thermodynamic stability) has been performed at Invitae for this missense variant, however the output from this modeling did not meet the statistical confidence thresholds required to predict the impact of this variant on SMARCA4 protein function. This variant has not been reported in the literature in individuals affected with SMARCA4-related conditions. This variant is not present in population databases (gnomAD no frequency). This sequence change replaces proline, which is neutral and non-polar, with leucine, which is neutral and non-polar, at codon 143 of the SMARCA4 protein (p.Pro143Leu).

NM_003072.5(SMARCA4):c.428C>T (p.Pro143Leu)

Gene: SMARCA4 (SWI/SNF related BAF chromatin remodeling complex subunit ATPase 4; plus strand). Cytogenetic location: 19p13.2.
Variant type: single nucleotide variant.
Coding change: c.428C>T on transcript NM_003072.5 (MANE Select); coding-DNA position 428, C replaced by T.
Protein change: p.Pro143Leu; replaces proline 143 with leucine.
Molecular consequence: missense variant. On other transcripts: non-coding transcript variant (1).
Genome position (GRCh38, 1-based): chr19:10,986,261, C>T. VCF-style: chr19-10986261-C-T. GRCh37 (hg19) VCF-style: chr19-11096937-C-T.
Other names: c.428C>T, p.Pro143Leu (NM_001128845.2, NM_001128846.2, NM_001128847.4 and 6 more transcripts); short protein forms P143L.
Identifiers: ClinVar variation 2843398 (VCV002843398.3), dbSNP rs2086021985, ClinGen allele CA404055915.
Genomic context (GRCh38, chr19:10,986,261, plus strand): 5'-CCCTGGGTGGCTCTGAGCATGCCTCTAGTCCAGTTCCAGCCAGTGGCCCGTCTTCGGGGC[C>T]CCAGATGTCTTCCGGGCCAGGAGGTGCCCCGCTGGATGGTGCTGACCCCCAGGCCTTGGG-3'
Protein context (NP_003063.2, residues 133-153): PVPASGPSSG[Pro143Leu]QMSSGPGGAP